The following is an entry in ClinVar:

NM_000528.4(MAN2B1):c.997G>C (p.Asp333His)

Gene: MAN2B1 (mannosidase alpha class 2B member 1; minus strand). Cytogenetic location: 19p13.13.
Variant type: single nucleotide variant.
Coding change: c.997G>C on transcript NM_000528.4 (MANE Select); coding-DNA position 997, G replaced by C.
Protein change: p.Asp333His; replaces aspartic acid 333 with histidine.
Molecular consequence: missense variant.
Genome position (GRCh38, 1-based): chr19:12,661,289, C>G on the plus strand (G>C on the coding strand, the complement: MAN2B1 is on the minus strand). VCF-style: chr19-12661289-C-G. GRCh37 (hg19) VCF-style: chr19-12772103-C-G.
Other names: c.997G>C, p.Asp333His (NM_001173498.2); short protein forms D333H.
Identifiers: ClinVar variation 1950789 (VCV001950789.2), dbSNP rs2512508033, ClinGen allele CA404250193.

ClinVar aggregate classification (germline): Uncertain significance (1 of 4 stars; one submission).

Conditions:
Deficiency of alpha-mannosidase (MANSA). Also called: LYSOSOMAL ALPHA-D-MANNOSIDASE DEFICIENCY; Alpha-Mannosidosis; Mannosidosis, alpha-, types I and II. Identifiers: Orphanet 61, MedGen C0024748, MONDO:0009561, OMIM 248500.

Submission:

Labcorp Genetics (formerly Invitae), Labcorp
Classification: Uncertain significance for Deficiency of alpha-mannosidase. Last evaluated: 2022-07-30. Review status: criteria provided, single submitter. Criteria: Invitae Variant Classification Sherloc (09022015). Collection method: clinical testing. Allele origin: germline.
Comment: This sequence change replaces aspartic acid, which is acidic and polar, with histidine, which is basic and polar, at codon 333 of the MAN2B1 protein (p.Asp333His). This variant is not present in population databases (gnomAD no frequency). This variant has not been reported in the literature in individuals affected with MAN2B1-related conditions. Advanced modeling of protein sequence and biophysical properties (such as structural, functional, and spatial information, amino acid conservation, physicochemical variation, residue mobility, and thermodynamic stability) performed at Invitae indicates that this missense variant is expected to disrupt MAN2B1 protein function. In summary, the available evidence is currently insufficient to determine the role of this variant in disease. Therefore, it has been classified as a Variant of Uncertain Significance.